The following is an entry in ClinVar:

ClinVar aggregate classification (germline): Uncertain significance. Review status: criteria provided, multiple submitters, no conflicts (2 of 4 stars). 3 submissions from 3 submitters: Uncertain significance (3). Last evaluated 2026-03-10.

Conditions:
Autosomal recessive limb-girdle muscular dystrophy type 2J (LGMDR10). Also called: Limb-girdle muscular dystrophy, type 2J; MUSCULAR DYSTROPHY, LIMB-GIRDLE, AUTOSOMAL RECESSIVE 10. Identifiers: Orphanet 140922, MedGen C1837342, MONDO:0012127, OMIM 608807.
Dilated cardiomyopathy 1G (CMD1G). Identifiers: Orphanet 154, MedGen C1858763, MONDO:0011400, OMIM 604145.
TTN-related disorder. Also called: TTN-related condition; TTN-related disease; TTN-related disorders.
Hypertrophic cardiomyopathy 9. Also called: Familial hypertrophic cardiomyopathy 9. Identifiers: MedGen C1861065, MONDO:0013412, OMIM 613765.
Myopathy, myofibrillar, 9, with early respiratory failure (MFM9). Also called: Hereditary myopathy with early respiratory failure; MYOPATHY, PROXIMAL, WITH EARLY RESPIRATORY MUSCLE INVOLVEMENT; EDSTROM MYOPATHY; Myopathy, distal, with early respiratory failure, autosomal dominant. Identifiers: Orphanet 178464, Orphanet 34521, MedGen C1863599, MONDO:0011362, OMIM 603689.
Tibial muscular dystrophy (TMD). Also called: Udd Distal Myopathy – Tibial Muscular Dystrophy; UDD MYOPATHY; Tibial muscular dystrophy, tardive. Identifiers: Orphanet 609, MedGen C1838244, MONDO:0010870, OMIM 600334.
Early-onset myopathy with fatal cardiomyopathy (CMYO5). Also called: Salih Myopathy; CONGENITAL MYOPATHY 5 WITH CARDIOMYOPATHY. Identifiers: Orphanet 289377, MedGen C2673677, MONDO:0012714, OMIM 611705. Disease mechanism: loss of function.

Allele frequency attached by ClinVar (database versions not stated): gnomAD 0.00001 and 0.00002; gnomAD exomes 0.00001 and 0.00002; TOPMed 0.00003; ExAC 0.00005; ESP Exome Variant Server 0.00015; 1000 Genomes Project 0.00020; 1000 Genomes Project 30x 0.00031.
gnomAD v4.1: 20 of 1,613,808 alleles (0.0012%); highest among the groups gnomAD compares: Admixed American, 0.005%; no homozygotes.

Submissions (3):

PreventionGenetics, part of Exact Sciences
Classification: Uncertain significance for TTN-related condition. Last evaluated: 2026-03-10. Review status: criteria provided, single submitter. Criteria: ACMG Guidelines, 2015. Collection method: clinical testing. Allele origin: germline.
Comment: The TTN c.4169C>T variant is predicted to result in the amino acid substitution p.Pro1390Leu. To our knowledge, this variant has not been reported in the literature. This variant is reported in 0.012% of alleles in individuals of African descent in gnomAD. At this time, the clinical significance of this variant is uncertain due to the absence of conclusive functional and genetic evidence.

Fulgent Genetics
Classification: Uncertain significance for Tibial muscular dystrophy; Myopathy, myofibrillar, 9, with early respiratory failure; Dilated cardiomyopathy 1G; Autosomal recessive limb-girdle muscular dystrophy type 2J; Early-onset myopathy with fatal cardiomyopathy; Hypertrophic cardiomyopathy 9. Last evaluated: 2021-09-02. Review status: criteria provided, single submitter. Criteria: ACMG Guidelines, 2015. Collection method: clinical testing. Allele origin: unknown.

Labcorp Genetics (formerly Invitae), Labcorp
Classification: Uncertain significance for Dilated cardiomyopathy 1G; Autosomal recessive limb-girdle muscular dystrophy type 2J. Last evaluated: 2017-02-24. Review status: criteria provided, single submitter. Criteria: Invitae Variant Classification Sherloc (09022015). Collection method: clinical testing. Allele origin: germline.

NM_001267550.2(TTN):c.4169C>T (p.Pro1390Leu)

Genes: TTN (titin; minus strand), LOC101927055 (uncharacterized LOC101927055; plus strand). Cytogenetic location: 2q31.2.
Variant type: single nucleotide variant.
Coding change: c.4169C>T on transcript NM_001267550.2 (MANE Select); coding-DNA position 4169, C replaced by T.
Protein change: p.Pro1390Leu; replaces proline 1390 with leucine.
Molecular consequence: missense variant.
Genome position (GRCh38, 1-based): chr2:178,778,913, G>A on the plus strand (C>T on the coding strand, the complement: TTN is on the minus strand). VCF-style: chr2-178778913-G-A. GRCh37 (hg19) VCF-style: chr2-179643640-G-A.
Other names: c.4169C>T, p.Pro1390Leu (NM_001256850.1, NM_133378.4, NM_133379.5); c.4031C>T, p.Pro1344Leu (NM_003319.4, NM_133432.3, NM_133437.4); short protein forms P1390L, P1344L.
Identifiers: ClinVar variation 467136 (VCV000467136.12), dbSNP rs144011561, ClinGen allele CA2005394.